The following is an entry in ClinVar:

ClinVar aggregate classification (germline): Uncertain significance (1 of 4 stars; one submission).

Conditions:
Oculocutaneous albinism type 4 (OCA4). Also called: Albinism, oculocutaneous, type IV. Identifiers: Orphanet 79435, MedGen C1847836, MONDO:0011683, OMIM 606574.

gnomAD v4.1: 3 of 1,613,268 alleles (0.00019%); highest among the groups gnomAD compares: Non-Finnish European, 0.00017%; no homozygotes.

Submission:

3billion
Classification: Uncertain significance for Oculocutaneous albinism type 4. Last evaluated: 2024-02-05. Review status: criteria provided, single submitter. Criteria: ACMG Guidelines, 2015. Collection method: clinical testing. Allele origin: germline. Affected: yes.
Comment: The variant is observed at an extremely low frequency in the gnomAD v2.1.1 dataset (total allele frequency: 0.003%). Predicted Consequence/Location: Missense variant In silico tool predictions suggest damaging effect of the variant on gene or gene product [REVEL: 0.75 (>=0.6, sensitivity 0.68 and specificity 0.92)]. Therefore, this variant is classified as VUS according to the recommendation of ACMG/AMP guideline.

NM_016180.5(SLC45A2):c.186C>G (p.Ser62Arg)

Gene: SLC45A2 (solute carrier family 45 member 2; minus strand). Cytogenetic location: 5p13.2.
Variant type: single nucleotide variant.
Coding change: c.186C>G on transcript NM_016180.5 (MANE Select); coding-DNA position 186, C replaced by G.
Protein change: p.Ser62Arg; replaces serine 62 with arginine.
Molecular consequence: missense variant.
Genome position (GRCh38, 1-based): chr5:33,984,398, G>C on the plus strand (C>G on the coding strand, the complement: SLC45A2 is on the minus strand). VCF-style: chr5-33984398-G-C. GRCh37 (hg19) VCF-style: chr5-33984503-G-C.
Other names: c.186C>G, p.Ser62Arg (NM_001012509.4, NM_001297417.4); short protein forms S62R.
Identifiers: ClinVar variation 3775327 (VCV003775327.1).